The following is an entry in ClinVar:

ClinVar aggregate classification (germline): Likely pathogenic (1 of 4 stars; one submission).

Conditions:
Dilated cardiomyopathy 1G (CMD1G). Identifiers: Orphanet 154, MedGen C1858763, MONDO:0011400, OMIM 604145.
Autosomal recessive limb-girdle muscular dystrophy type 2J (LGMDR10). Also called: Limb-girdle muscular dystrophy, type 2J; MUSCULAR DYSTROPHY, LIMB-GIRDLE, AUTOSOMAL RECESSIVE 10. Identifiers: Orphanet 140922, MedGen C1837342, MONDO:0012127, OMIM 608807.

Submission:

Labcorp Genetics (formerly Invitae), Labcorp
Classification: Likely pathogenic for Dilated cardiomyopathy 1G; Autosomal recessive limb-girdle muscular dystrophy type 2J. Last evaluated: 2024-08-05. Review status: criteria provided, single submitter. Criteria: Invitae Variant Classification Sherloc (09022015). Collection method: clinical testing. Allele origin: germline.
Comment: This sequence change creates a premature translational stop signal (p.Asn19299Lysfs*3) in the TTN gene. While this is not anticipated to result in nonsense mediated decay, it is expected to create a truncated TTN protein. This variant is not present in population databases (gnomAD no frequency). This variant has not been reported in the literature in individuals affected with TTN-related conditions. ClinVar contains an entry for this variant (Variation ID: 952029). This variant is located in the A band of TTN (PMID: 25589632). Truncating variants in this region are significantly overrepresented in patients affected with dilated cardiomyopathy (PMID: 25589632). Truncating variants in this region have also been reported in individuals affected with autosomal recessive centronuclear myopathy (PMID: 23975875). In summary, the currently available evidence indicates that the variant is pathogenic, but additional data are needed to prove that conclusively. Therefore, this variant has been classified as Likely Pathogenic.

Literature cited by the submitters: PubMed 25589632; PubMed 23975875.

NM_001267550.2(TTN):c.57897del (p.Asn19299fs)

Genes: TTN-AS1 (TTN antisense RNA 1; plus strand), TTN (titin; minus strand). Cytogenetic location: 2q31.2.
Variant type: Deletion.
Coding change: c.57897del on transcript NM_001267550.2 (MANE Select); coding-DNA position 57897, one base deleted (T; older notation c.57897delT).
Protein change: p.Asn19299fs; shifts the reading frame from asparagine 19299.
Molecular consequence: frameshift variant.
Genome position (GRCh38, 1-based): chr2:178,594,597, A deleted on the plus strand (T on the coding strand, the reverse complement: TTN is on the minus strand). VCF-style (leftmost placement, unchanged base first): chr2-178594596-TA-T. GRCh37 (hg19) VCF-style: chr2-179459323-TA-T.
Other names: c.52974del, p.Asn17658fs (NM_001256850.1); c.30702del, p.Asn10234fs (NM_003319.4); c.50193del, p.Asn16731fs (NM_133378.4); c.31077del, p.Asn10359fs (NM_133432.3); c.31278del, p.Asn10426fs (NM_133437.4); short protein forms N10426fs, N10234fs, N19299fs, N10359fs, N16731fs, N17658fs.
Identifiers: ClinVar variation 952029 (VCV000952029.10), dbSNP rs2051003587, ClinGen allele CA1139655787.